The following is an entry in ClinVar:

ClinVar aggregate classification (germline): Uncertain significance. Review status: criteria provided, multiple submitters, no conflicts (2 of 4 stars). 4 submissions from 4 submitters: Uncertain significance (4). Last evaluated 2025-08-25.

Conditions:
Inborn genetic diseases. Identifiers: MedGen C0950123, MeSH D030342.
Kabuki syndrome 2 (KABUK2). Also called: KDM6A-Related Kabuki Syndrome. Identifiers: Orphanet 2322, MedGen C3275495, MONDO:0010465, OMIM 300867.

Allele frequency attached by ClinVar (database versions not stated): gnomAD 0.00002; TOPMed 0.00003; gnomAD exomes below 0.00001.
gnomAD v4.1: 3 of 1,206,528 alleles (0.00025%); highest among the groups gnomAD compares: African/African-American, 0.0035%; no homozygotes.

Submissions (4):

Ambry Genetics
Classification: Uncertain significance for Inborn genetic diseases. Last evaluated: 2025-08-25. Review status: criteria provided, single submitter. Criteria: Ambry Variant Classification Scheme 2023. Collection method: clinical testing. Allele origin: germline.

Fulgent Genetics
Classification: Uncertain significance for Kabuki syndrome 2. Last evaluated: 2024-02-29. Review status: criteria provided, single submitter. Criteria: ACMG Guidelines, 2015. Collection method: clinical testing. Allele origin: germline.

GeneDx
Classification: Uncertain significance. Last evaluated: 2021-01-19. Review status: criteria provided, single submitter. Criteria: GeneDx Variant Classification Process June 2021. Collection method: clinical testing. Allele origin: germline. Affected: yes.
Comment: In silico analysis supports that this missense variant does not alter protein structure/function; Has not been previously published as pathogenic or benign to our knowledge

Breakthrough Genomics
Classification: Uncertain significance. Review status: criteria provided, single submitter. Criteria: ACMG Guidelines, 2015. Collection method: not provided. Allele origin: germline. Inheritance: X-linked dominant inheritance. Affected: yes.

NM_001291415.2(KDM6A):c.1637T>C (p.Met546Thr)

Gene: KDM6A (lysine demethylase 6A; plus strand). Cytogenetic location: Xp11.3.
Variant type: single nucleotide variant.
Coding change: c.1637T>C on transcript NM_001291415.2 (MANE Select); coding-DNA position 1637, T replaced by C.
Protein change: p.Met546Thr; replaces methionine 546 with threonine.
Molecular consequence: missense variant. On other transcripts: intron variant (1).
Genome position (GRCh38, 1-based): chrX:45,062,702, T>C. VCF-style: chrX-45062702-T-C. GRCh37 (hg19) VCF-style: chrX-44921947-T-C.
Other names: c.1502T>C, p.Met501Thr (NM_001291416.2); c.1346T>C, p.Met449Thr (NM_001291417.2); c.593T>C, p.Met198Thr (NM_001291421.2); c.1481T>C, p.Met494Thr (NM_021140.4); c.1481T>C (NM_021140.3); c.1291-720T>C (NM_001291418.2); short protein forms M494T, M546T, M198T, M449T, M501T.
Identifiers: ClinVar variation 452058 (VCV000452058.6), dbSNP rs1282907228, ClinGen allele CA412787037.